The following is an entry in ClinVar:

ClinVar aggregate classification (germline): Uncertain significance (1 of 4 stars; one submission).

Submission:

GeneDx
Classification: Uncertain significance. Last evaluated: 2021-09-10. Review status: criteria provided, single submitter. Criteria: GeneDx Variant Classification Process June 2021. Collection method: clinical testing. Allele origin: germline. Affected: yes.
Comment: Not observed at significant frequency in large population cohorts (Lek et al., 2016); In silico analysis, which includes protein predictors and evolutionary conservation, supports a deleterious effect; Has not been previously published as pathogenic or benign to our knowledge

NM_006186.4(NR4A2):c.386C>A (p.Thr129Lys)

Gene: NR4A2 (nuclear receptor subfamily 4 group A member 2; minus strand). Cytogenetic location: 2q24.1.
Variant type: single nucleotide variant.
Coding change: c.386C>A on transcript NM_006186.4 (MANE Select); coding-DNA position 386, C replaced by A.
Protein change: p.Thr129Lys; replaces threonine 129 with lysine.
Molecular consequence: missense variant.
Genome position (GRCh38, 1-based): chr2:156,329,801, G>T on the plus strand (C>A on the coding strand, the complement: NR4A2 is on the minus strand). VCF-style: chr2-156329801-G-T. GRCh37 (hg19) VCF-style: chr2-157186313-G-T.
Other names: c.197C>A, p.Thr66Lys (NM_173173.3); short protein forms T129K, T66K.
Identifiers: ClinVar variation 1307465 (VCV001307465.2), dbSNP rs2105612696, ClinGen allele CA348682548.